The following is an entry in ClinVar:

NM_000284.4(PDHA1):c.522C>T (p.Gly174=)

Gene: PDHA1 (pyruvate dehydrogenase E1 subunit alpha 1; plus strand). Cytogenetic location: Xp22.12.
Variant type: single nucleotide variant.
Coding change: c.522C>T on transcript NM_000284.4 (MANE Select); coding-DNA position 522, C replaced by T.
Protein change: p.Gly174=; no amino-acid change (glycine 174 retained).
Molecular consequence: synonymous variant. On other transcripts: intron variant (1).
Genome position (GRCh38, 1-based): chrX:19,354,502, C>T. VCF-style: chrX-19354502-C-T. GRCh37 (hg19) VCF-style: chrX-19372620-C-T.
Other names: c.636C>T, p.Gly212= (NM_001173454.2); c.543C>T, p.Gly181= (NM_001173455.2); c.511-847C>T (NM_001173456.2).
Identifiers: ClinVar variation 870489 (VCV000870489.15), dbSNP rs769308417, ClinGen allele CA10363057.
Genomic context (GRCh38, chrX:19,354,502, plus strand): 5'-TCCCCTCATGGATTTCTGTGGTTCCTTTCTCGGTTGTCCTTAATGTTAGGTGCCCCTGGG[C>T]GCTGGGATTGCTCTAGCCTGTAAGTATAATGGAAAAGATGAGGTCTGCCTGACTTTATAT-3'
Protein context (NP_000275.1, residues 164-184): NGIVGAQVPL[Gly174=]AGIALACKYN

ClinVar aggregate classification (germline): Conflicting classifications of pathogenicity. Review status: criteria provided, conflicting classifications (1 of 4 stars). 3 submissions from 3 submitters: Uncertain significance (1); Benign (1); Likely benign (1). Last evaluated 2026-01-26.

Conditions:
Pyruvate dehydrogenase E1-alpha deficiency (PDHAD). Also called: ATAXIA, INTERMITTENT, WITH PYRUVATE DEHYDROGENASE DEFICIENCY; ATAXIA WITH LACTIC ACIDOSIS I; ATAXIA, INTERMITTENT, WITH ABNORMAL PYRUVATE METABOLISM; Ataxia, intermittent, with pyruvate dehydrogenase, or decarboxylase, deficiency. Identifiers: Orphanet 79243, MedGen C1839413, MONDO:0010717, OMIM 312170.

Allele frequency attached by ClinVar (database versions not stated): ExAC 0.00001; gnomAD 0.00001; TOPMed 0.00001; gnomAD exomes 0.00002.
gnomAD v4.1: 17 of 1,189,805 alleles (0.0014%); highest among the groups gnomAD compares: South Asian, 0.02%; no homozygotes.

Submissions (3):

Labcorp Genetics (formerly Invitae), Labcorp
Classification: Benign for Pyruvate dehydrogenase E1-alpha deficiency. Last evaluated: 2026-01-26. Review status: criteria provided, single submitter. Criteria: Invitae Variant Classification Sherloc (09022015). Collection method: clinical testing. Allele origin: germline.

Blueprint Genetics
Classification: Likely benign. Last evaluated: 2024-02-20. Review status: criteria provided, single submitter. Criteria: ACMG Guidelines, 2015. Collection method: clinical testing. Allele origin: germline.

Diagnostics Services (NGS), CSIR - Centre For Cellular And Molecular Biology
Classification: Uncertain significance for Pyruvate dehydrogenase E1-alpha deficiency. Last evaluated: 2020-03-24. Review status: criteria provided, single submitter. Criteria: ACMG Guidelines, 2015. Collection method: clinical testing. Allele origin: unknown. Inheritance: X-linked inheritance. Affected: yes. Observed: 1 hemizygote.
Comment: The c.522C>T variant is not present in publicly available databases like 1000 Genomes and Exome Variant Server (EVS). It is present in Exome Aggregation Consortium (ExAC), Genome Aggregation Database (gnomAD) and dbSNP at a very low frequency including hemizygote (MAF<0.0001). The variant is not present in our in-house exome database. The variant was not reported to OMIM, Human Genome Mutation Database (HGMD) or ClinVar databases in any affected individuals. In-silico pathogenicity prediction programs like MutationTaster2, CADD etc. predicted this variant to be likely deleterious. The variant is present near the 5' end of intron-exon junction of exon 6 and may affect splicing as also predicted by online program Human Splice Finder version 3.1. However there are no documented functional studies to prove this. Due to lack of enough evidence the variant has been classified as uncertain significance.